The following is an entry in ClinVar:

ClinVar aggregate classification (germline): Uncertain significance (1 of 4 stars; one submission).

Submission:

Labcorp Genetics (formerly Invitae), Labcorp
Classification: Uncertain significance. Last evaluated: 2022-09-07. Review status: criteria provided, single submitter. Criteria: Invitae Variant Classification Sherloc (09022015). Collection method: clinical testing. Allele origin: germline.
Comment: This sequence change replaces valine, which is neutral and non-polar, with methionine, which is neutral and non-polar, at codon 1295 of the ANK3 protein (p.Val1295Met). In summary, the available evidence is currently insufficient to determine the role of this variant in disease. Therefore, it has been classified as a Variant of Uncertain Significance. Algorithms developed to predict the effect of missense changes on protein structure and function are either unavailable or do not agree on the potential impact of this missense change (SIFT: "Not Available"; PolyPhen-2: "Probably Damaging"; Align-GVGD: "Not Available"). This variant has not been reported in the literature in individuals affected with ANK3-related conditions. This variant is not present in population databases (gnomAD no frequency).

NM_020987.5(ANK3):c.3883G>A (p.Val1295Met)

Gene: ANK3 (ankyrin 3; minus strand). Cytogenetic location: 10q21.2.
Variant type: single nucleotide variant.
Coding change: c.3883G>A on transcript NM_020987.5 (MANE Select); coding-DNA position 3883, G replaced by A.
Protein change: p.Val1295Met; replaces valine 1295 with methionine.
Molecular consequence: missense variant.
Genome position (GRCh38, 1-based): chr10:60,084,793, C>T on the plus strand (G>A on the coding strand, the complement: ANK3 is on the minus strand). VCF-style: chr10-60084793-C-T. GRCh37 (hg19) VCF-style: chr10-61844551-C-T.
Other names: c.1285G>A, p.Val429Met (NM_001149.4); c.3865G>A, p.Val1289Met (NM_001204403.2); c.3886G>A, p.Val1296Met (NM_001204404.2); c.3883G>A, p.Val1295Met (NM_001320874.2); short protein forms V1289M, V1295M, V1296M, V429M.
Identifiers: ClinVar variation 2004835 (VCV002004835.4), dbSNP rs2492648751, ClinGen allele CA376985982.